The following is an entry in ClinVar:

ClinVar aggregate classification (germline): Conflicting classifications of pathogenicity. Review status: criteria provided, conflicting classifications (1 of 4 stars). 3 submissions from 3 submitters: Pathogenic (1); Likely pathogenic (1); Uncertain significance (1). Last evaluated 2024-05-02.

Conditions:
X-linked Alport syndrome (ATS1). Also called: COL4A5-Related Nephropathy; NEPHROPATHY AND DEAFNESS, X-LINKED. Identifiers: Orphanet 63, Orphanet 88917, MedGen C4746986, MONDO:0010520, OMIM 301050.

Submissions (3):

Fulgent Genetics
Classification: Pathogenic for X-linked Alport syndrome. Last evaluated: 2024-05-02. Review status: criteria provided, single submitter. Criteria: ACMG Guidelines, 2015. Collection method: clinical testing. Allele origin: germline.

Blueprint Genetics
Classification: Uncertain significance. Last evaluated: 2020-12-28. Review status: criteria provided, single submitter. Criteria: ACMG Guidelines, 2015. Collection method: clinical testing. Allele origin: germline.

Labcorp Genetics (formerly Invitae), Labcorp
Classification: Likely pathogenic. Last evaluated: 2020-04-10. Review status: criteria provided, single submitter. Criteria: Invitae Variant Classification Sherloc (09022015). Collection method: clinical testing. Allele origin: germline.
Comment: Glycine residues within the Gly-Xaa-Yaa repeats of the triple helix domain are required for the structure and stability of fibrillar collagens (PMID: 7695699, 8218237, 19344236). In COL4A5, missense variants at these glycine residues are significantly enriched in individuals with disease (PMID: 23720012, 27627812) compared to the general population (ExAC). In summary, the currently available evidence indicates that the variant is pathogenic, but additional data are needed to prove that conclusively. Therefore, this variant has been classified as Likely Pathogenic. This variant has not been reported in the literature in individuals with COL4A5-related conditions. This variant is not present in population databases (ExAC no frequency). This sequence change replaces glycine with aspartic acid at codon 457 of the COL4A5 protein (p.Gly457Asp). The glycine residue is moderately conserved and there is a moderate physicochemical difference between glycine and aspartic acid.

Literature cited by the submitters: PubMed 7695699 (cited by Labcorp Genetics (formerly Invitae), Labcorp); PubMed 8218237 (cited by Labcorp Genetics (formerly Invitae), Labcorp); PubMed 19344236 (cited by Labcorp Genetics (formerly Invitae), Labcorp); PubMed 23720012 (cited by Labcorp Genetics (formerly Invitae), Labcorp); PubMed 27627812 (cited by Labcorp Genetics (formerly Invitae), Labcorp).

NM_033380.3(COL4A5):c.1370G>A (p.Gly457Asp)

Gene: COL4A5 (collagen type IV alpha 5 chain; plus strand). Cytogenetic location: Xq22.3.
Variant type: single nucleotide variant.
Coding change: c.1370G>A on transcript NM_033380.3 (MANE Select); coding-DNA position 1370, G replaced by A.
Protein change: p.Gly457Asp; replaces glycine 457 with aspartic acid.
Molecular consequence: missense variant.
Genome position (GRCh38, 1-based): chrX:108,591,591, G>A. VCF-style: chrX-108591591-G-A. GRCh37 (hg19) VCF-style: chrX-107834821-G-A.
Other names: c.1370G>A, p.Gly457Asp (NM_000495.5); short protein forms G457D.
Identifiers: ClinVar variation 1067067 (VCV001067067.11), dbSNP rs2147798012, ClinGen allele CA413934470.